The following is an entry in ClinVar:

NM_016628.5(WAC):c.313A>G (p.Ser105Gly)

Gene: WAC (WW domain containing adaptor with coiled-coil; plus strand). Cytogenetic location: 10p12.1.
Variant type: single nucleotide variant.
Coding change: c.313A>G on transcript NM_016628.5 (MANE Select); coding-DNA position 313, A replaced by G.
Protein change: p.Ser105Gly; replaces serine 105 with glycine.
Molecular consequence: missense variant.
Genome position (GRCh38, 1-based): chr10:28,583,437, A>G. VCF-style: chr10-28583437-A-G. GRCh37 (hg19) VCF-style: chr10-28872366-A-G.
Other names: c.178A>G, p.Ser60Gly (NM_100264.3); c.313A>G, p.Ser105Gly (NM_100486.4); short protein forms S105G, S60G.
Identifiers: ClinVar variation 2578154 (VCV002578154.1), dbSNP rs2491926872, ClinGen allele CA376401007.

ClinVar aggregate classification (germline): Uncertain significance (1 of 4 stars; one submission).

Allele frequency attached by ClinVar (database versions not stated): gnomAD exomes below 0.00001.
gnomAD v4.1: 1 of 1,595,948 alleles (0.000063%); highest among the groups gnomAD compares: Non-Finnish European, 0.000085%; no homozygotes.

Submission:

GeneDx
Classification: Uncertain significance. Last evaluated: 2023-02-28. Review status: criteria provided, single submitter. Criteria: GeneDx Variant Classification Process June 2021. Collection method: clinical testing. Allele origin: germline. Affected: yes.
Comment: Not observed at significant frequency in large population cohorts (gnomAD); In silico analysis supports that this missense variant does not alter protein structure/function; Has not been previously published as pathogenic or benign to our knowledge